The following is an entry in ClinVar:

ClinVar aggregate classification (germline): Benign/Likely benign. Review status: criteria provided, multiple submitters, no conflicts (2 of 4 stars). 6 submissions from 6 submitters: Benign (3); Likely benign (3). Last evaluated 2026-05-18.

Conditions:
YARS1-related disorder. Also called: YARS1-related condition.
Inborn genetic diseases. Identifiers: MedGen C0950123, MeSH D030342.
Charcot-Marie-Tooth disease dominant intermediate C (CMTDIC). Also called: CHARCOT-MARIE-TOOTH NEUROPATHY, DOMINANT INTERMEDIATE C. Identifiers: Orphanet 100045, MedGen C1842237, MONDO:0012012, OMIM 608323.

Allele frequency attached by ClinVar (database versions not stated): gnomAD 0.00007; TOPMed 0.00012; ExAC 0.00019; gnomAD exomes 0.00032.
gnomAD v4.1: 100 of 1,614,012 alleles (0.0062%); highest among the groups gnomAD compares: Admixed American, 0.16%; 1 homozygote.

Submissions (6):

PreventionGenetics, part of Exact Sciences
Classification: Likely benign for YARS1-related condition. Last evaluated: 2026-05-18. Review status: criteria provided, single submitter. Criteria: ACMG Guidelines, 2015. Collection method: clinical testing. Allele origin: germline.
Comment: This variant is classified as likely benign based on ACMG/AMP sequence variant interpretation guidelines (Richards et al. 2015 PMID: 25741868, with internal and published modifications).

CeGaT Center for Human Genetics Tuebingen
Classification: Likely benign. Last evaluated: 2026-01-01. Review status: criteria provided, single submitter. Criteria: CeGaT Center For Human Genetics Tuebingen Variant Classification Criteria Version 2. Collection method: clinical testing. Allele origin: germline. Affected: yes. Observed: 2 variant alleles.
Comment: YARS1: BP4, BP7

Labcorp Genetics (formerly Invitae), Labcorp
Classification: Benign for Charcot-Marie-Tooth disease dominant intermediate C. Last evaluated: 2025-10-21. Review status: criteria provided, single submitter. Criteria: Invitae Variant Classification Sherloc (09022015). Collection method: clinical testing. Allele origin: germline.

Mayo Clinic Laboratories, Mayo Clinic
Classification: Benign. Last evaluated: 2020-12-02. Review status: criteria provided, single submitter. Criteria: ACMG Guidelines, 2015. Collection method: clinical testing. Allele origin: germline. Observed: 1 variant allele.

Ambry Genetics
Classification: Likely benign for Inborn genetic diseases. Last evaluated: 2019-07-11. Review status: criteria provided, single submitter. Criteria: Ambry Variant Classification Scheme 2023. Collection method: clinical testing. Allele origin: germline.

Illumina Laboratory Services, Illumina
Classification: Benign for Charcot-Marie-Tooth disease dominant intermediate C. Last evaluated: 2018-01-12. Review status: criteria provided, single submitter. Criteria: ICSL Variant Classification Criteria 13 December 2019. Collection method: clinical testing. Allele origin: germline.
Comment: This variant was observed in the ICSL laboratory as part of a predisposition screen in an ostensibly healthy population. It had not been previously curated by ICSL or reported in the Human Gene Mutation Database (HGMD: prior to June 1st, 2018), and was therefore a candidate for classification through an automated scoring system. Utilizing variant allele frequency, disease prevalence and penetrance estimates, and inheritance mode, an automated score was calculated to assess if this variant is too frequent to cause the disease. Based on the score and internal cut-off values, a variant classified as benign is not then subjected to further curation. The score for this variant resulted in a classification of benign for this disease.

NM_003680.4(YARS1):c.1275C>T (p.Asn425=)

Gene: YARS1 (tyrosyl-tRNA synthetase 1; minus strand). Cytogenetic location: 1p35.1.
Variant type: single nucleotide variant.
Coding change: c.1275C>T on transcript NM_003680.4 (MANE Select); coding-DNA position 1275, C replaced by T.
Protein change: p.Asn425=; no amino-acid change (asparagine 425 retained).
Molecular consequence: synonymous variant.
Genome position (GRCh38, 1-based): chr1:32,780,144, G>A on the plus strand (C>T on the coding strand, the complement: YARS1 is on the minus strand). VCF-style: chr1-32780144-G-A. GRCh37 (hg19) VCF-style: chr1-33245745-G-A.
Other names: p.Asn425=.
Identifiers: ClinVar variation 297150 (VCV000297150.24), dbSNP rs778718842, ClinGen allele CA744936.